The following is an entry in ClinVar:

NM_001171.6(ABCC6):c.3524T>C (p.Val1175Ala)

Gene: ABCC6 (ATP binding cassette subfamily C member 6; minus strand). Cytogenetic location: 16p13.11.
Variant type: single nucleotide variant.
Coding change: c.3524T>C on transcript NM_001171.6 (MANE Select); coding-DNA position 3524, T replaced by C.
Protein change: p.Val1175Ala; replaces valine 1175 with alanine.
Molecular consequence: missense variant. On other transcripts: non-coding transcript variant (1).
Genome position (GRCh38, 1-based): chr16:16,161,547, A>G on the plus strand (T>C on the coding strand, the complement: ABCC6 is on the minus strand). VCF-style: chr16-16161547-A-G. GRCh37 (hg19) VCF-style: chr16-16255404-A-G.
Other names: c.3524T>C (NM_001171.5); c.3182T>C, p.Val1061Ala (NM_001351800.1); short protein forms V1175A, V1061A.
Identifiers: ClinVar variation 1433717 (VCV001433717.11), dbSNP rs376062004, ClinGen allele CA7925536.

ClinVar aggregate classification (germline): Conflicting classifications of pathogenicity. Review status: criteria provided, conflicting classifications (1 of 4 stars). 5 submissions from 5 submitters: Uncertain significance (3); Likely benign (1). 1 of the submissions does not count toward it. Last evaluated 2024-06-12.

Conditions:
Autosomal recessive inherited pseudoxanthoma elasticum (PXE). Identifiers: Orphanet 758, MedGen CN032334, MONDO:0009925, OMIM 264800.
Inborn genetic diseases. Identifiers: MedGen C0950123, MeSH D030342.
Arterial calcification, generalized, of infancy, 2. Identifiers: Orphanet 51608, MedGen C3276161, MONDO:0013768, OMIM 614473.
Pseudoxanthoma elasticum, forme fruste. Also called: Pseudoxanthoma Elasticum, Incomplete; PSEUDOXANTHOMA ELASTICUM, HETEROZYGOUS. Identifiers: Orphanet 758, MedGen C1867450, MONDO:0008333, OMIM 177850.

Allele frequency attached by ClinVar (database versions not stated): gnomAD 0.00002; gnomAD exomes 0.00004 and 0.00011; ExAC 0.00012.
gnomAD v4.1: 65 of 1,613,662 alleles (0.004%); highest among the groups gnomAD compares: South Asian, 0.064%; no homozygotes.

Submissions (5):

Labcorp Genetics (formerly Invitae), Labcorp
Classification: Likely benign. Last evaluated: 2024-06-12. Review status: criteria provided, single submitter. Criteria: Invitae Variant Classification Sherloc (09022015). Collection method: clinical testing. Allele origin: germline.

Blueprint Genetics
Classification: Uncertain significance. Last evaluated: 2024-05-27. Review status: criteria provided, single submitter. Criteria: ACMG Guidelines, 2015. Collection method: clinical testing. Allele origin: germline.

Fulgent Genetics
Classification: Uncertain significance for Pseudoxanthoma elasticum, forme fruste; Autosomal recessive inherited pseudoxanthoma elasticum; Arterial calcification, generalized, of infancy, 2. Last evaluated: 2024-01-05. Review status: criteria provided, single submitter. Criteria: ACMG Guidelines, 2015. Collection method: clinical testing. Allele origin: germline.

Ambry Genetics
Classification: Uncertain significance for Inborn genetic diseases. Last evaluated: 2021-11-30. Review status: criteria provided, single submitter. Criteria: Ambry Variant Classification Scheme 2023. Collection method: clinical testing. Allele origin: germline.

MOLECULAR BIOLOGY AND HUMAN GENETICS DIVISION, THE UNIVERSITY OF BURDWAN
Classification: Pathogenic for Autosomal recessive inherited pseudoxanthoma elasticum. Last evaluated: 2024-05-07. Review status: no assertion criteria provided. Collection method: clinical testing. Allele origin: germline. Affected: yes. Observed: 1 variant allele. Not counted in ClinVar's aggregate classification.
Comment: Slit-lamp biomicroscopy revealed focal elevation at the fovea with irregular discoloration. Optical coherence tomography (OCT) showed fibrovascular pigment epithelial detachment with subretinal fluid and hyperreflective material nasal to the fovea, along with outer retinal layer damage in the right eye. Fluorescein angiography revealed an active lesion adjacent to the fovea in the right eye, which increased in size and intensity in the late phase, indicating active leakage and confirming choroidal neovascularization (CNV). Whole exome sequencing (WES), followed by Phenolyzer analysis, identified a nonsynonymous variant in the ABCC6 gene, 3524T>C (rs376062004), in heterozygous condition with a minor allele frequency (MAF) of 0.0001 according to the ExAC database. This variant results in an amino acid change from valine to alanine (p.V1175A). According to the American College of Medical Genetics (ACMG) 2015 guidelines with Adjsuetd value as per the condion of the case , the variant has been appreaed as pathogenic. The OMIM database indicates that mutations in the ABCC6 gene are associated with Pseudoxanthoma Elasticum (PXE)-associated choroidal neovascularization [OMIM phenotype MIM number: 264800]. Thus, as per this case, the variant ABCC6.3524T>C (rs376062004), in co associated with Thalassemia condition, can be responsible for Pseudoxanthoma Elasticum mediated CNV.